The following is an entry in ClinVar:

ClinVar aggregate classification (germline): Likely pathogenic (1 of 4 stars; one submission).

Conditions:
Microphthalmia/coloboma 11 (MCOPCB11). Identifiers: MedGen C5935584, MONDO:0958239, OMIM 620731.

Submission:

Victorian Clinical Genetics Services, Murdoch Childrens Research Institute
Classification: Likely pathogenic for Microphthalmia/coloboma 11. Last evaluated: 2026-02-04. Review status: criteria provided, single submitter. Criteria: ACMG Guidelines, 2015. Collection method: clinical testing. Allele origin: germline. Affected: yes.
Comment: This variant is classified as Likely pathogenic. Evidence in support of pathogenic classification: Variant is absent from gnomAD (v2, v3 and v4); This variant has limited evidence for segregation with disease. This variant has been shown to segregate with disease in three affected individuals from this family; Missense variant predicted to be damaging by in silico tool(s) or highly conserved with a major amino acid change. Additional information: Variant is predicted to result in a missense amino acid change from serine to isoleucine; This variant is heterozygous; This gene is associated with autosomal dominant disease; Alternative amino acid change(s) at the same position are present in gnomAD (Highest alelle count: v4: 6 heterozygote(s), 0 homozygote(s)); This variant has no previous evidence of pathogenicity; No published functional evidence has been identified for this variant; No comparable missense variants have previous evidence for pathogenicity; Variant is located in the annotated frizzled domain (DECIPHER); Dominant negative is a likely mechanism of disease in this gene and is associated with microphthalmia/coloboma 11 (MIM#620731). One truncating variant in this gene has been shown to compete with WNT ligands for binding or by dimerisation with wild type FZD5 (PMID: 26908622); The condition associated with this gene has incomplete penetrance (OMIM, PMID: 3669549); Variants in this gene are known to have variable expressivity (OMIM); Inheritance information for this variant is not currently available in this individual.

Literature cited by the submitters: PubMed 26908622; PubMed 3669549.

NM_003468.4(FZD5):c.986G>T (p.Ser329Ile)

Gene: FZD5 (frizzled class receptor 5; minus strand). Cytogenetic location: 2q33.3.
Variant type: single nucleotide variant.
Coding change: c.986G>T on transcript NM_003468.4 (MANE Select); coding-DNA position 986, G replaced by T.
Protein change: p.Ser329Ile; replaces serine 329 with isoleucine.
Molecular consequence: missense variant.
Genome position (GRCh38, 1-based): chr2:207,767,754, C>A on the plus strand (G>T on the coding strand, the complement: FZD5 is on the minus strand). VCF-style: chr2-207767754-C-A. GRCh37 (hg19) VCF-style: chr2-208632478-C-A.
Other names: short protein forms S329I.
Identifiers: ClinVar variation 4531810 (VCV004531810.2).